The following is an entry in ClinVar:

ClinVar aggregate classification (germline): Uncertain significance. Review status: criteria provided, multiple submitters, no conflicts (2 of 4 stars). 2 submissions from 2 submitters: Uncertain significance (2). Last evaluated 2022-10-07.

Conditions:
Cardiovascular phenotype. Identifiers: MedGen CN230736.
Alstrom syndrome (ALMS). Identifiers: Orphanet 64, MedGen C0268425, MONDO:0008763, OMIM 203800.

gnomAD v4.1: 3 of 1,613,902 alleles (0.00019%); highest among the groups gnomAD compares: Non-Finnish European, 0.00025%; no homozygotes.

Submissions (2):

Labcorp Genetics (formerly Invitae), Labcorp
Classification: Uncertain significance for Alstrom syndrome. Last evaluated: 2022-10-07. Review status: criteria provided, single submitter. Criteria: Invitae Variant Classification Sherloc (09022015). Collection method: clinical testing. Allele origin: germline.
Comment: This sequence change replaces tyrosine, which is neutral and polar, with phenylalanine, which is neutral and non-polar, at codon 3543 of the ALMS1 protein (p.Tyr3543Phe). This variant is present in population databases (no rsID available, gnomAD 0.0009%). This variant has not been reported in the literature in individuals affected with ALMS1-related conditions. Experimental studies and prediction algorithms are not available or were not evaluated, and the functional significance of this variant is currently unknown. In summary, the available evidence is currently insufficient to determine the role of this variant in disease. Therefore, it has been classified as a Variant of Uncertain Significance.

Ambry Genetics
Classification: Uncertain significance for Cardiovascular phenotype. Last evaluated: 2021-11-03. Review status: criteria provided, single submitter. Criteria: Ambry Variant Classification Scheme 2023. Collection method: clinical testing. Allele origin: germline.
Comment: The p.Y3543F variant (also known as c.10628A>T), located in coding exon 16 of the ALMS1 gene, results from an A to T substitution at nucleotide position 10628. The tyrosine at codon 3543 is replaced by phenylalanine, an amino acid with highly similar properties. This amino acid position is well conserved in available vertebrate species. In addition, this alteration is predicted to be tolerated by in silico analysis. Since supporting evidence is limited at this time, the clinical significance of this alteration remains unclear.

NM_001378454.1(ALMS1):c.10625A>T (p.Tyr3542Phe)

Gene: ALMS1 (ALMS1 centrosome and basal body associated protein; plus strand). Cytogenetic location: 2p13.1.
Variant type: single nucleotide variant.
Coding change: c.10625A>T on transcript NM_001378454.1 (MANE Select); coding-DNA position 10625, A replaced by T.
Protein change: p.Tyr3542Phe; replaces tyrosine 3542 with phenylalanine.
Molecular consequence: missense variant.
Genome position (GRCh38, 1-based): chr2:73,572,502, A>T. VCF-style: chr2-73572502-A-T. GRCh37 (hg19) VCF-style: chr2-73799629-A-T.
Other names: c.10628A>T, p.Tyr3543Phe (NM_015120.4); short protein forms Y3542F, Y3543F.
Identifiers: ClinVar variation 1780537 (VCV001780537.4), dbSNP rs761771973, ClinGen allele CA347284273.